The following is an entry in ClinVar:

NM_018133.4(MSL2):c.521dup (p.Leu174fs)

Gene: MSL2 (MSL complex subunit 2; minus strand). Cytogenetic location: 3q22.3.
Variant type: Duplication.
Coding change: c.521dup on transcript NM_018133.4 (MANE Select); coding-DNA position 521, one base duplicated (T; older notation c.521dupT).
Protein change: p.Leu174fs; shifts the reading frame from leucine 174.
Molecular consequence: frameshift variant.
Genome position (GRCh38, 1-based): chr3:136,152,360, A duplicated on the plus strand (T on the coding strand, the reverse complement: MSL2 is on the minus strand); the first of 3 consecutive A bases (chr3:136,152,360-136,152,362); duplicating any one gives the same sequence. VCF-style (leftmost placement, unchanged base first): chr3-136152359-T-TA. GRCh37 (hg19) VCF-style: chr3-135871201-T-TA.
Other names: c.299dup, p.Leu100fs (NM_001145417.2); short protein forms L100fs, L174fs.
Identifiers: ClinVar variation 2265934 (VCV002265934.3), dbSNP rs2529548450, ClinGen allele CA2580068801.

ClinVar aggregate classification (germline): Pathogenic (1 of 4 stars; one submission).

Submission:

Ambry Genetics
Classification: Pathogenic. Last evaluated: 2024-12-05. Review status: criteria provided, single submitter. Criteria: Ambry Variant Classification Scheme 2023. Collection method: clinical testing. Allele origin: germline.
Comment: The c.521dupT (p.L174Ffs*6) alteration, located in exon 2 (coding exon 2) of the MSL2 gene, consists of a duplication of T at position 521, causing a translational frameshift with a predicted alternate stop codon after 6 amino acids. This alteration is not expected to trigger nonsense-mediated mRNA decay, and impacts the last 70% of the protein. Premature stop codons are typically deleterious in nature and a significant portion of the protein is affected (Ambry internal data). This variant was not reported in population-based cohorts in the Genome Aggregation Database (gnomAD). This variant was determined to be de novo in at least one individual with features consistent with MSL2-related neurodevelopmental disorder (Karayol, 2024). Based on the available evidence, this alteration is classified as pathogenic.

Literature cited by the submitters: PubMed 38815585.